The following is an entry in ClinVar:

NM_032242.4(PLXNA1):c.2386A>G (p.Ile796Val)

Gene: PLXNA1 (plexin A1; plus strand). Cytogenetic location: 3q21.3.
Variant type: single nucleotide variant.
Coding change: c.2386A>G on transcript NM_032242.4 (MANE Select); coding-DNA position 2386, A replaced by G.
Protein change: p.Ile796Val; replaces isoleucine 796 with valine.
Molecular consequence: missense variant.
Genome position (GRCh38, 1-based): chr3:127,014,092, A>G. VCF-style: chr3-127014092-A-G. GRCh37 (hg19) VCF-style: chr3-126732935-A-G.
Other names: c.2386A>G (NM_032242.3); short protein forms I796V.
Identifiers: ClinVar variation 3714541 (VCV003714541.3).
Genomic context (GRCh38, chr3:127,014,092, plus strand): 5'-GGGAACGATGTCAGCGACCTGCCAGTGAACCTGTCAGTCGTGTGGAACGGCAACTTTGTC[A>G]TTGACAACCCACAGAACATCCAGGGTGAGTGGGCGCCCCGGCGGGGTGGGCAGTGGGCGG-3'
Protein context (NP_115618.3, residues 786-806): LSVVWNGNFV[Ile796Val]DNPQNIQAHL

ClinVar aggregate classification (germline): Uncertain significance. Review status: criteria provided, multiple submitters, no conflicts (2 of 4 stars). 2 submissions from 2 submitters: Uncertain significance (2). Last evaluated 2026-08-26.

Conditions:
PLXNA1-related disorder. Also called: PLXNA1-related condition.

gnomAD v4.1: 13 of 1,613,792 alleles (0.00081%); highest among the groups gnomAD compares: Non-Finnish European, 0.0011%; no homozygotes.

Submissions (2):

PreventionGenetics, part of Exact Sciences
Classification: Uncertain significance for PLXNA1-related condition. Last evaluated: 2026-08-26. Review status: criteria provided, single submitter. Criteria: ACMG Guidelines, 2015. Collection method: clinical testing. Allele origin: germline.
Comment: The PLXNA1 c.2386A>G variant is predicted to result in the amino acid substitution p.Ile796Val. To our knowledge, this variant has not been reported in the literature or in a large population database (gnomAD), indicating this variant is rare. At this time, the clinical significance of this variant is uncertain due to the absence of conclusive functional and genetic evidence.

Labcorp Genetics (formerly Invitae), Labcorp
Classification: Uncertain significance. Last evaluated: 2024-11-18. Review status: criteria provided, single submitter. Criteria: Invitae Variant Classification Sherloc (09022015). Collection method: clinical testing. Allele origin: germline.
Comment: This sequence change replaces isoleucine, which is neutral and non-polar, with valine, which is neutral and non-polar, at codon 796 of the PLXNA1 protein (p.Ile796Val). This variant is not present in population databases (gnomAD no frequency). This variant has not been reported in the literature in individuals affected with PLXNA1-related conditions. An algorithm developed to predict the effect of missense changes on protein structure and function (PolyPhen-2) suggests that this variant is likely to be tolerated. In summary, the available evidence is currently insufficient to determine the role of this variant in disease. Therefore, it has been classified as a Variant of Uncertain Significance.